The following is an entry in ClinVar:

NM_016203.4(PRKAG2):c.648A>G (p.Pro216=)

Gene: PRKAG2 (protein kinase AMP-activated non-catalytic subunit gamma 2; minus strand). Cytogenetic location: 7q36.1.
Variant type: single nucleotide variant.
Coding change: c.648A>G on transcript NM_016203.4 (MANE Select); coding-DNA position 648, A replaced by G.
Protein change: p.Pro216=; no amino-acid change (proline 216 retained).
Molecular consequence: synonymous variant.
Genome position (GRCh38, 1-based): chr7:151,675,456, T>C on the plus strand (A>G on the coding strand, the complement: PRKAG2 is on the minus strand). VCF-style: chr7-151675456-T-C. GRCh37 (hg19) VCF-style: chr7-151372542-T-C.
Other names: c.516A>G, p.Pro172= (NM_001040633.2); c.276A>G, p.Pro92= (NM_001304527.2, NM_001363698.2).
Identifiers: ClinVar variation 1331903 (VCV001331903.6), dbSNP rs751742816, ClinGen allele CA057776.

ClinVar aggregate classification (germline): Likely benign. Review status: criteria provided, multiple submitters, no conflicts (2 of 4 stars). 3 submissions from 3 submitters: Likely benign (3). Last evaluated 2023-04-27.

Conditions:
Cardiomyopathy (CMYO). Also called: Cardiomyopathies. Identifiers: Orphanet 167848, MedGen C0878544, MONDO:0004994, HP:0001638. Inheritance: Various modes of inheritance.
Lethal congenital glycogen storage disease of heart. Also called: PHOSPHORYLASE KINASE DEFICIENCY OF HEART; GLYCOGEN STORAGE DISEASE OF HEART. Identifiers: Orphanet 439854, MedGen C1849813, MONDO:0009867, OMIM 261740.
Hypertrophic cardiomyopathy. Also called: HYPERTROPHIC MYOCARDIOPATHY. Identifiers: Orphanet 217569, MedGen C0007194, MeSH D002312, MONDO:0005045, HP:0001639.

Allele frequency attached by ClinVar (database versions not stated): gnomAD exomes below 0.00001; TOPMed below 0.00001; ExAC 0.00001; gnomAD 0.00001.
gnomAD v4.1: 1 of 1,613,990 alleles (0.000062%); highest among the groups gnomAD compares: African/African-American, 0.0013%; no homozygotes.

Submissions (3):

All of Us Research Program, National Institutes of Health
Classification: Likely benign for Hypertrophic cardiomyopathy. Last evaluated: 2023-04-27. Review status: criteria provided, single submitter. Criteria: ACMG Guidelines, 2015. Collection method: clinical testing. Allele origin: germline. Inheritance: Autosomal dominant inheritance. Observed: 1 variant allele, 1 heterozygote.
Comment: This study involves interpretation of variants in research participants for the purpose of population health screening. Participant phenotype was not available at the time of variant classification. Additional details can be found in publication PMID: 35346344, PMCID: PMC8962531

Labcorp Genetics (formerly Invitae), Labcorp
Classification: Likely benign for Lethal congenital glycogen storage disease of heart. Last evaluated: 2022-11-14. Review status: criteria provided, single submitter. Criteria: Invitae Variant Classification Sherloc (09022015). Collection method: clinical testing. Allele origin: germline.

Color Diagnostics, LLC DBA Color Health
Classification: Likely benign for Cardiomyopathy. Last evaluated: 2021-03-16. Review status: criteria provided, single submitter. Criteria: ACMG Guidelines, 2015. Collection method: clinical testing. Allele origin: germline.